The following is an entry in ClinVar:

ClinVar aggregate classification (germline): Uncertain significance (1 of 4 stars; one submission).

Conditions:
Primary dilated cardiomyopathy (DCM). Also called: Dilated Cardiomyopathy. Identifiers: Orphanet 217604, MedGen C0007193, MeSH D002311, MONDO:0005021, HP:0001644. Inheritance: Various modes of inheritance.

Allele frequency attached by ClinVar (database versions not stated): gnomAD exomes below 0.00001.
gnomAD v4.1: 4 of 1,614,002 alleles (0.00025%); highest among the groups gnomAD compares: East Asian, 0.0022%; no homozygotes.

Submission:

Labcorp Genetics (formerly Invitae), Labcorp
Classification: Uncertain significance for Primary dilated cardiomyopathy. Last evaluated: 2022-01-19. Review status: criteria provided, single submitter. Criteria: Invitae Variant Classification Sherloc (09022015). Collection method: clinical testing. Allele origin: germline.
Comment: In summary, the available evidence is currently insufficient to determine the role of this variant in disease. Therefore, it has been classified as a Variant of Uncertain Significance. Algorithms developed to predict the effect of missense changes on protein structure and function are either unavailable or do not agree on the potential impact of this missense change (SIFT: "Deleterious"; PolyPhen-2: "Possibly Damaging"; Align-GVGD: "Class C0"). This variant has not been reported in the literature in individuals affected with NEBL-related conditions. This variant is present in population databases (no rsID available, gnomAD 0.006%). This sequence change replaces aspartic acid, which is acidic and polar, with asparagine, which is neutral and polar, at codon 818 of the NEBL protein (p.Asp818Asn).

NM_006393.3(NEBL):c.2452G>A (p.Asp818Asn)

Gene: NEBL (nebulette; minus strand). Cytogenetic location: 10p12.31.
Variant type: single nucleotide variant.
Coding change: c.2452G>A on transcript NM_006393.3 (MANE Select); coding-DNA position 2452, G replaced by A.
Protein change: p.Asp818Asn; replaces aspartic acid 818 with asparagine.
Molecular consequence: missense variant.
Genome position (GRCh38, 1-based): chr10:20,812,835, C>T on the plus strand (G>A on the coding strand, the complement: NEBL is on the minus strand). VCF-style: chr10-20812835-C-T. GRCh37 (hg19) VCF-style: chr10-21101764-C-T.
Other names: c.463G>A, p.Asp155Asn (NM_001173484.2, NM_001377322.1, NM_213569.2); c.415G>A, p.Asp139Asn (NM_001377323.1); c.406G>A, p.Asp136Asn (NM_001377324.1); c.397G>A, p.Asp133Asn (NM_001377325.1); c.355G>A, p.Asp119Asn (NM_001377326.1, NM_001377327.1, NM_001377328.1); short protein forms D818N, D136N, D155N, D119N, D133N, D139N.
Identifiers: ClinVar variation 1946229 (VCV001946229.5), dbSNP rs1457665218, ClinGen allele CA376093316.